The following is an entry in ClinVar:

ClinVar aggregate classification (germline): Conflicting classifications of pathogenicity. Review status: criteria provided, conflicting classifications (1 of 4 stars). 3 submissions from 3 submitters: Uncertain significance (2); Likely benign (1). Last evaluated 2025-07-14.

Conditions:
Hereditary breast ovarian cancer syndrome. Also called: Hereditary breast and ovarian cancer; Hereditary breast and/or ovarian cancer syndrome; BRCA1- and BRCA2-Associated Hereditary Breast and Ovarian Cancer; Hereditary breast and ovarian cancer syndrome; Hereditary breast and ovarian cancer syndrome (HBOC); Breast and ovarian cancer. Identifiers: Orphanet 145, MedGen C0677776, MeSH D061325, MONDO:0003582. Disease mechanism: loss of function.
Hereditary cancer-predisposing syndrome. Also called: Tumor predisposition; Hereditary Cancer Syndrome; Hereditary neoplastic syndrome; Neoplastic Syndromes, Hereditary. Identifiers: Orphanet 140162, MedGen C0027672, MeSH D009386, MONDO:0015356.

Submissions (3):

Ambry Genetics
Classification: Uncertain significance for Hereditary cancer-predisposing syndrome. Last evaluated: 2025-07-14. Review status: criteria provided, single submitter. Criteria: Ambry Variant Classification Scheme 2023. Collection method: clinical testing. Allele origin: germline.
Comment: The p.E2082D variant (also known as c.6246A>C), located in coding exon 10 of the BRCA2 gene, results from an A to C substitution at nucleotide position 6246. The glutamic acid at codon 2082 is replaced by aspartic acid, an amino acid with highly similar properties. This amino acid position is conserved. In addition, the in silico prediction for this alteration is inconclusive. Since supporting evidence is limited at this time, the clinical significance of this alteration remains unclear.

Labcorp Genetics (formerly Invitae), Labcorp
Classification: Uncertain significance for Hereditary breast ovarian cancer syndrome. Last evaluated: 2024-04-22. Review status: criteria provided, single submitter. Criteria: Invitae Variant Classification Sherloc (09022015). Collection method: clinical testing. Allele origin: germline.
Comment: This sequence change replaces glutamic acid, which is acidic and polar, with aspartic acid, which is acidic and polar, at codon 2082 of the BRCA2 protein (p.Glu2082Asp). This variant is not present in population databases (gnomAD no frequency). This variant has not been reported in the literature in individuals affected with BRCA2-related conditions. ClinVar contains an entry for this variant (Variation ID: 409573). Advanced modeling of protein sequence and biophysical properties (such as structural, functional, and spatial information, amino acid conservation, physicochemical variation, residue mobility, and thermodynamic stability) performed at Invitae indicates that this missense variant is not expected to disrupt BRCA2 protein function with a negative predictive value of 95%. In summary, the available evidence is currently insufficient to determine the role of this variant in disease. Therefore, it has been classified as a Variant of Uncertain Significance.

University of Washington Department of Laboratory Medicine, University of Washington
Classification: Likely benign for Hereditary cancer-predisposing syndrome. Last evaluated: 2023-03-23. Review status: criteria provided, single submitter. Criteria: Dines et al. (Genet Med. 2020). Collection method: curation. Allele origin: germline.
Comment: Missense variant in a coldspot region where missense variants are very unlikely to be pathogenic (PMID:31911673).

BRCA2 exon 11 coldspot. Reclassification based on statistical prior probability.

NM_000059.4(BRCA2):c.6246A>C (p.Glu2082Asp)

Gene: BRCA2 (BRCA2 DNA repair associated; plus strand). Cytogenetic location: 13q13.1.
Variant type: single nucleotide variant.
Coding change: c.6246A>C on transcript NM_000059.4 (MANE Select); coding-DNA position 6246, A replaced by C.
Protein change: p.Glu2082Asp; replaces glutamic acid 2082 with aspartic acid.
Molecular consequence: missense variant.
Genome position (GRCh38, 1-based): chr13:32,340,601, A>C. VCF-style: chr13-32340601-A-C. GRCh37 (hg19) VCF-style: chr13-32914738-A-C.
Other names: short protein forms E2082D.
Identifiers: ClinVar variation 409573 (VCV000409573.13), dbSNP rs1060502474, ClinGen allele CA16613989.